The following is an entry in ClinVar:

NM_000144.5(FXN):c.112G>A (p.Gly38Ser)

Genes: FXN (frataxin; plus strand), LOC130001862 (ATAC-STARR-seq lymphoblastoid silent region 19931; plus strand). Cytogenetic location: 9q21.11.
Variant type: single nucleotide variant.
Coding change: c.112G>A on transcript NM_000144.5 (MANE Select); coding-DNA position 112, G replaced by A.
Protein change: p.Gly38Ser; replaces glycine 38 with serine.
Molecular consequence: missense variant.
Genome position (GRCh38, 1-based): chr9:69,035,894, G>A. VCF-style: chr9-69035894-G-A. GRCh37 (hg19) VCF-style: chr9-71650810-G-A.
Other names: c.112G>A, p.Gly38Ser (NM_181425.3); short protein forms G38S.
Identifiers: ClinVar variation 2515732 (VCV002515732.4), dbSNP rs576852565, ClinGen allele CA193369039.

ClinVar aggregate classification (germline): Conflicting classifications of pathogenicity. Review status: criteria provided, conflicting classifications (1 of 4 stars). 3 submissions from 3 submitters: Uncertain significance (2); Likely benign (1). Last evaluated 2025-10-16.

Conditions:
Inborn genetic diseases. Identifiers: MedGen C0950123, MeSH D030342.

Allele frequency attached by ClinVar (database versions not stated): gnomAD 0.00015; 1000 Genomes Project 30x 0.00047; 1000 Genomes Project 0.00060.

Submissions (3):

Athena Diagnostics
Classification: Uncertain significance. Last evaluated: 2025-10-16. Review status: criteria provided, single submitter. Criteria: Athena Diagnostics Criteria. Collection method: clinical testing. Allele origin: unknown.
Comment: Available data are insufficient to determine the clinical significance of the variant at this time. The frequency of this variant in the general population is higher than would generally be expected for pathogenic variants in this gene. Polyphen and MutationTaster predict this amino acid change may be benign.

GeneDx
Classification: Uncertain significance. Last evaluated: 2023-08-02. Review status: criteria provided, single submitter. Criteria: GeneDx Variant Classification Process June 2021. Collection method: clinical testing. Allele origin: germline. Affected: yes.
Comment: In silico analysis supports that this missense variant does not alter protein structure/function; Has not been previously published as pathogenic or benign to our knowledge

Ambry Genetics
Classification: Likely benign for Inborn genetic diseases. Last evaluated: 2023-06-02. Review status: criteria provided, single submitter. Criteria: Ambry Variant Classification Scheme 2023. Collection method: clinical testing. Allele origin: germline.